The following is an entry in ClinVar:

NM_000170.3(GLDC):c.1145G>C (p.Cys382Ser)

Gene: GLDC (glycine decarboxylase; minus strand). Cytogenetic location: 9p24.1.
Variant type: single nucleotide variant.
Coding change: c.1145G>C on transcript NM_000170.3 (MANE Select); coding-DNA position 1145, G replaced by C.
Protein change: p.Cys382Ser; replaces cysteine 382 with serine.
Molecular consequence: missense variant.
Genome position (GRCh38, 1-based): chr9:6,602,119, C>G on the plus strand (G>C on the coding strand, the complement: GLDC is on the minus strand). VCF-style: chr9-6602119-C-G. GRCh37 (hg19) VCF-style: chr9-6602119-C-G.
Other names: short protein forms C382S.
Identifiers: ClinVar variation 2164851 (VCV002164851.4), dbSNP rs759133707, ClinGen allele CA372894452.
Genomic context (GRCh38, chr9:6,602,119, plus strand): 5'-TTTCTGTGTATCGTAAGGCATTCAGTAGTCAGGTCAGACGTGTGATTTACCTGAGCTGTA[C>G]AGATGTTGCTGGTAGCCTTGTCTCTCCGAATGTGTTGCTCCCTGGTTTGAAGAGCAAGAC-3'
Protein context (NP_000161.2, residues 372-392): IRRDKATSNI[Cys382Ser]TAQALLANMA

ClinVar aggregate classification (germline): Likely pathogenic (1 of 4 stars; one submission).

Conditions:
Glycine encephalopathy. Also called: Non-ketotic hyperglycinemia; Nonketotic hyperglycinemia. Identifiers: Orphanet 407, MedGen C0751748, MONDO:0011612, HP:0008288.

gnomAD v4.1: 3 of 1,602,842 alleles (0.00019%); highest among the groups gnomAD compares: Non-Finnish European, 0.00017%; no homozygotes.

Submission:

Labcorp Genetics (formerly Invitae), Labcorp
Classification: Likely pathogenic for Glycine encephalopathy. Last evaluated: 2023-05-24. Review status: criteria provided, single submitter. Criteria: Invitae Variant Classification Sherloc (09022015). Collection method: clinical testing. Allele origin: germline.
Comment: In summary, the currently available evidence indicates that the variant is pathogenic, but additional data are needed to prove that conclusively. Therefore, this variant has been classified as Likely Pathogenic. This variant disrupts the p.Cys382 amino acid residue in GLDC. Other variant(s) that disrupt this residue have been determined to be pathogenic (PMID: 26179960, 27362913). This suggests that this residue is clinically significant, and that variants that disrupt this residue are likely to be disease-causing. Advanced modeling of protein sequence and biophysical properties (such as structural, functional, and spatial information, amino acid conservation, physicochemical variation, residue mobility, and thermodynamic stability) performed at Invitae indicates that this missense variant is expected to disrupt GLDC protein function. ClinVar contains an entry for this variant (Variation ID: 2164851). This variant has not been reported in the literature in individuals affected with GLDC-related conditions. This variant is not present in population databases (gnomAD no frequency). This sequence change replaces cysteine, which is neutral and slightly polar, with serine, which is neutral and polar, at codon 382 of the GLDC protein (p.Cys382Ser).

Literature cited by the submitters: PubMed 26179960; PubMed 27362913.